The following is an entry in ClinVar:

ClinVar aggregate classification (germline): Uncertain significance. Review status: criteria provided, multiple submitters, no conflicts (2 of 4 stars). 2 submissions from 2 submitters: Uncertain significance (2). Last evaluated 2025-04-18.

Conditions:
Cardiovascular phenotype. Identifiers: MedGen CN230736.
RASopathy. Also called: rasopathies; Noonan spectrum disorder. Identifiers: Orphanet 536391, MedGen C5555857, MONDO:0021060.

Submissions (2):

Ambry Genetics
Classification: Uncertain significance for Cardiovascular phenotype. Last evaluated: 2025-04-18. Review status: criteria provided, single submitter. Criteria: Ambry Variant Classification Scheme 2023. Collection method: clinical testing. Allele origin: germline.
Comment: The p.T218M variant (also known as c.653C>T), located in coding exon 6 of the PTPN11 gene, results from a C to T substitution at nucleotide position 653. The threonine at codon 218 is replaced by methionine, an amino acid with similar properties. This amino acid position is conserved. In addition, the in silico prediction for this alteration is inconclusive. Based on the available evidence, the clinical significance of this variant remains unclear.

Labcorp Genetics (formerly Invitae), Labcorp
Classification: Uncertain significance for RASopathy. Last evaluated: 2023-10-13. Review status: criteria provided, single submitter. Criteria: Invitae Variant Classification Sherloc (09022015). Collection method: clinical testing. Allele origin: germline.
Comment: This sequence change replaces threonine, which is neutral and polar, with methionine, which is neutral and non-polar, at codon 218 of the PTPN11 protein (p.Thr218Met). This variant is not present in population databases (gnomAD no frequency). This variant has not been reported in the literature in individuals affected with PTPN11-related conditions. ClinVar contains an entry for this variant (Variation ID: 1949321). Advanced modeling of protein sequence and biophysical properties (such as structural, functional, and spatial information, amino acid conservation, physicochemical variation, residue mobility, and thermodynamic stability) performed at Invitae indicates that this missense variant is expected to disrupt PTPN11 protein function. In summary, the available evidence is currently insufficient to determine the role of this variant in disease. Therefore, it has been classified as a Variant of Uncertain Significance.

NM_002834.5(PTPN11):c.653C>T (p.Thr218Met)

Gene: PTPN11 (protein tyrosine phosphatase non-receptor type 11; plus strand). Cytogenetic location: 12q24.13.
Variant type: single nucleotide variant.
Coding change: c.653C>T on transcript NM_002834.5 (MANE Select); coding-DNA position 653, C replaced by T.
Protein change: p.Thr218Met; replaces threonine 218 with methionine.
Molecular consequence: missense variant.
Genome position (GRCh38, 1-based): chr12:112,455,960, C>T. VCF-style: chr12-112455960-C-T. GRCh37 (hg19) VCF-style: chr12-112893764-C-T.
Other names: c.653C>T, p.Thr218Met (NM_001330437.2, NM_080601.3); c.650C>T, p.Thr217Met (NM_001374625.1); short protein forms T218M, T217M.
Identifiers: ClinVar variation 1949321 (VCV001949321.6), dbSNP rs1201590326, ClinGen allele CA386783896.